The following is an entry in ClinVar:

ClinVar aggregate classification (germline): Benign/Likely benign. Review status: criteria provided, multiple submitters, no conflicts (2 of 4 stars). 5 submissions from 5 submitters: Benign (3); Likely benign (1). 1 of the submissions does not count toward it. Last evaluated 2026-08-01.

Conditions:
KMT2A-related disorder. Also called: KMT2A-related condition.

Allele frequency attached by ClinVar (database versions not stated): gnomAD 0.00008 and 0.00029; TOPMed 0.00012; ESP Exome Variant Server 0.00015; gnomAD exomes 0.00069 and 0.00126; 1000 Genomes Project 0.00120; 1000 Genomes Project 30x 0.00125; ExAC 0.00151.
gnomAD v4.1: 1,050 of 1,614,124 alleles (0.065%); highest among the groups gnomAD compares: South Asian, 0.85%; 12 homozygotes.

Submissions (5):

CeGaT Center for Human Genetics Tuebingen
Classification: Likely benign. Last evaluated: 2026-08-01. Review status: criteria provided, single submitter. Criteria: CeGaT Center For Human Genetics Tuebingen Variant Classification Criteria Version 2. Collection method: clinical testing. Allele origin: germline. Affected: yes. Observed: 5 variant alleles.
Comment: KMT2A: BP4, BP7, BS1

Labcorp Genetics (formerly Invitae), Labcorp
Classification: Benign. Last evaluated: 2026-02-01. Review status: criteria provided, single submitter. Criteria: Invitae Variant Classification Sherloc (09022015). Collection method: clinical testing. Allele origin: germline.

GeneDx
Classification: Benign. Last evaluated: 2020-06-18. Review status: criteria provided, single submitter. Criteria: GeneDx Variant Classification Process June 2021. Collection method: clinical testing. Allele origin: germline. Affected: yes.

Breakthrough Genomics
Classification: Benign. Review status: criteria provided, single submitter. Criteria: ACMG Guidelines, 2015. Collection method: not provided. Allele origin: germline. Inheritance: Autosomal dominant inheritance. Affected: yes.

PreventionGenetics, part of Exact Sciences
Classification: Benign for KMT2A-related condition. Last evaluated: 2022-04-06. Review status: no assertion criteria provided. Collection method: clinical testing. Allele origin: germline. Not counted in ClinVar's aggregate classification.
Comment: This variant is classified as benign based on ACMG/AMP sequence variant interpretation guidelines (Richards et al. 2015 PMID: 25741868, with internal and published modifications).

NM_001197104.2(KMT2A):c.8650T>C (p.Leu2884=)

Gene: KMT2A (lysine methyltransferase 2A; plus strand). Cytogenetic location: 11q23.3.
Variant type: single nucleotide variant.
Coding change: c.8650T>C on transcript NM_001197104.2 (MANE Select); coding-DNA position 8650, T replaced by C.
Protein change: p.Leu2884=; no amino-acid change (leucine 2884 retained).
Molecular consequence: synonymous variant.
Genome position (GRCh38, 1-based): chr11:118,504,542, T>C. VCF-style: chr11-118504542-T-C. GRCh37 (hg19) VCF-style: chr11-118375257-T-C.
Other names: c.8641T>C, p.Leu2881= (NM_005933.4).
Identifiers: ClinVar variation 1165566 (VCV001165566.35), dbSNP rs9332841, ClinGen allele CA6304516.